The following is an entry in ClinVar:

NM_000245.4(MET):c.2070T>C (p.Ile690=)

Gene: MET (MET proto-oncogene, receptor tyrosine kinase; plus strand). Cytogenetic location: 7q31.2.
Variant type: single nucleotide variant.
Coding change: c.2070T>C on transcript NM_000245.4 (MANE Select); coding-DNA position 2070, T replaced by C.
Protein change: p.Ile690=; no amino-acid change (isoleucine 690 retained).
Molecular consequence: synonymous variant.
Genome position (GRCh38, 1-based): chr7:116,757,742, T>C. VCF-style: chr7-116757742-T-C. GRCh37 (hg19) VCF-style: chr7-116397796-T-C.
Other names: c.2070T>C, p.Ile690= (NM_001127500.3, NM_001324401.3); c.780T>C, p.Ile260= (NM_001324402.2).
Identifiers: ClinVar variation 820633 (VCV000820633.8), dbSNP rs759396158, ClinGen allele CA4448368.
Genomic context (GRCh38, chr7:116,757,742, plus strand): 5'-TGGTGGCACTTTACTTACTTTAACTGGAAATTACCTAAACAGTGGGAATTCTAGACACAT[T>C]TCAATTGGTGGAAAAACATGTACTTTAAAAAGGTGTTGTAAATTTATTTTTTGTTGCATC-3'
Protein context (NP_000236.2, residues 680-700): NYLNSGNSRH[Ile690=]SIGGKTCTLK

ClinVar aggregate classification (germline): Benign/Likely benign. Review status: criteria provided, multiple submitters, no conflicts (2 of 4 stars). 3 submissions from 3 submitters: Benign (1); Likely benign (2). Last evaluated 2024-12-29.

Conditions:
Hereditary cancer-predisposing syndrome. Also called: Neoplastic Syndromes, Hereditary; Tumor predisposition; Hereditary Cancer Syndrome; Hereditary neoplastic syndrome. Identifiers: Orphanet 140162, MedGen C0027672, MeSH D009386, MONDO:0015356.
Renal cell carcinoma. Identifiers: Orphanet 217071, MedGen C0007134, MeSH D002292, MONDO:0005086, HP:0005584.
Papillary renal cell carcinoma type 1 (RCCP1). Also called: RENAL CELL CARCINOMA, PAPILLARY, 1, SOMATIC; Renal adenocarcinoma; Renal cell carcinoma 1; Renal cell carcinoma, somatic. Identifiers: Orphanet 47044, MedGen C1336839, OMIM 605074, HP:0011797.

Allele frequency attached by ClinVar (database versions not stated): ExAC 0.00001; TOPMed 0.00001.
gnomAD v4.1: 3 of 1,613,952 alleles (0.00019%); highest among the groups gnomAD compares: Admixed American, 0.005%; no homozygotes.

Submissions (3):

Labcorp Genetics (formerly Invitae), Labcorp
Classification: Likely benign for Renal cell carcinoma. Last evaluated: 2024-12-29. Review status: criteria provided, single submitter. Criteria: Invitae Variant Classification Sherloc (09022015). Collection method: clinical testing. Allele origin: germline.

Myriad Genetics, Inc.
Classification: Benign for Papillary renal cell carcinoma type 1. Last evaluated: 2024-11-08. Review status: criteria provided, single submitter. Criteria: Myriad Autosomal Dominant, Autosomal Recessive and X-Linked Classification Criteria (2023). Collection method: clinical testing. Allele origin: unknown.
Comment: This variant is considered benign. This variant is a silent/synonymous amino acid change and it is not expected to impact splicing.

Ambry Genetics
Classification: Likely benign for Hereditary cancer-predisposing syndrome. Last evaluated: 2019-08-09. Review status: criteria provided, single submitter. Criteria: Ambry Variant Classification Scheme 2023. Collection method: clinical testing. Allele origin: germline.